The following is an entry in ClinVar:

ClinVar aggregate classification (germline): Uncertain significance (1 of 4 stars; one submission).

gnomAD v4.1: 2 of 1,597,170 alleles (0.00013%); highest among the groups gnomAD compares: Non-Finnish European, 0.00017%; no homozygotes.

Submission:

GeneDx
Classification: Uncertain significance. Last evaluated: 2026-02-25. Review status: criteria provided, single submitter. Criteria: GeneDx Variant Classification Process June 2021. Collection method: clinical testing. Allele origin: germline.
Comment: Not observed at significant frequency in large population cohorts (gnomAD); Nonsense variant predicted to result in protein truncation as the last 38 amino acid(s) are lost; Has not been previously published as pathogenic or benign to our knowledge

NM_000142.5(FGFR3):c.2305C>T (p.Gln769Ter)

Gene: FGFR3 (fibroblast growth factor receptor 3; plus strand). Cytogenetic location: 4p16.3.
Variant type: single nucleotide variant.
Coding change: c.2305C>T on transcript NM_000142.5 (MANE Select); coding-DNA position 2305, C replaced by T.
Protein change: p.Gln769Ter; replaces glutamine 769 with a stop codon.
Molecular consequence: nonsense. On other transcripts: missense variant (1), non-coding transcript variant (1).
Genome position (GRCh38, 1-based): chr4:1,807,146, C>T. VCF-style: chr4-1807146-C-T. GRCh37 (hg19) VCF-style: chr4-1808873-C-T.
Other names: c.2311C>T, p.Gln771Ter (NM_001163213.2); c.2308C>T, p.Gln770Ter (NM_001354809.2); c.2237C>T, p.Ala746Val (NM_001354810.2); c.1969C>T, p.Gln657Ter (NM_022965.4); short protein forms Q657*, Q769*, A746V, Q771*, Q770*.
Identifiers: ClinVar variation 5007996 (VCV005007996.1).
Genomic context (GRCh38, chr4:1,807,146, plus strand): 5'-CACAGCGCTCACCCCGCCTCCCGCCAGCAGGAGTACCTGGACCTGTCGGCGCCTTTCGAG[C>T]AGTACTCCCCGGGTGGCCAGGACACCCCCAGCTCCAGCTCCTCAGGGGACGACTCCGTGT-3'